The following is an entry in ClinVar:

ClinVar aggregate classification (germline): Uncertain significance (1 of 4 stars; one submission).

Conditions:
Malignant hyperthermia, susceptibility to, 1 (MHS1). Also called: Anesthesia related hyperthermia; Malignant hyperpyrexia; Fulminating hyperpyrexia; Pharmacogenic myopathy; RYR1-Related Malignant Hyperthermia Susceptibility; Malignant hyperthermia suceptibility 1. Identifiers: Orphanet 423, MedGen C2930980, MONDO:0007783, OMIM 145600.

Submission:

All of Us Research Program, National Institutes of Health
Classification: Uncertain significance for Malignant hyperthermia, susceptibility to, 1. Last evaluated: 2023-08-08. Review status: criteria provided, single submitter. Criteria: ACMG Guidelines, 2015. Collection method: clinical testing. Allele origin: germline. Inheritance: Autosomal dominant inheritance. Observed: 1 variant allele, 1 heterozygote.
Comment: This variant causes a G to T nucleotide substitution at the +6 position of intron 48 of the RYR1 gene. To our knowledge, functional studies have not been reported for this variant. This variant has not been reported in individuals affected with RYR1-related disorders in the literature. This variant has not been identified in the general population by the Genome Aggregation Database (gnomAD). The available evidence is insufficient to determine the role of this variant in disease conclusively. Therefore, this variant is classified as a Variant of Uncertain Significance.

This study involves interpretation of variants in research participants for the purpose of population health screening. Participant phenotype was not available at the time of variant classification. Additional details can be found in publication PMID: 35346344, PMCID: PMC8962531

NM_000540.3(RYR1):c.7835+6G>T

Gene: RYR1 (ryanodine receptor 1; plus strand). Cytogenetic location: 19q13.2.
Variant type: single nucleotide variant.
Coding change: c.7835+6G>T on transcript NM_000540.3 (MANE Select); 6 bases into the intron after coding-DNA position 7835, G replaced by T.
Molecular consequence: intron variant.
Genome position (GRCh38, 1-based): chr19:38,502,733, G>T. VCF-style: chr19-38502733-G-T. GRCh37 (hg19) VCF-style: chr19-38993373-G-T.
Other names: c.7835+6G>T (NM_001042723.2).
Identifiers: ClinVar variation 3072595 (VCV003072595.1), dbSNP rs2514335578, ClinGen allele CA2584900610.